The following is an entry in ClinVar:

NM_000238.4(KCNH2):c.2115del (p.Trp705fs)

Gene: KCNH2 (potassium voltage-gated channel subfamily H member 2; minus strand). Cytogenetic location: 7q36.1.
Variant type: Deletion.
Coding change: c.2115del on transcript NM_000238.4 (MANE Select); coding-DNA position 2115, one base deleted (G; older notation c.2115delG).
Protein change: p.Trp705fs; shifts the reading frame from tryptophan 705.
Molecular consequence: frameshift variant.
Genome position (GRCh38, 1-based): chr7:150,950,951, C deleted on the plus strand (G on the coding strand, the reverse complement: KCNH2 is on the minus strand); the first of 2 consecutive C bases (chr7:150,950,951-150,950,952); deleting either gives the same sequence. VCF-style (leftmost placement, unchanged base first): chr7-150950950-AC-A. GRCh37 (hg19) VCF-style: chr7-150648038-AC-A.
Other names: c.2115del (NM_000238.3); c.2114delG, p.Trp705Cysfs (NM_000238.3, NM_172056.3); c.1095del, p.Trp365fs (NM_001204798.2, NM_172057.3); c.1826delG, p.Trp609Cysfs (NM_001406753.1, NM_001406756.1); c.1937delG, p.Trp646Cysfs (NM_001406755.1); c.1814delG, p.Trp605Cysfs (NM_001406757.1); short protein forms W365fs, W705fs.
Identifiers: ClinVar variation 200648 (VCV000200648.5), dbSNP rs794728443, ClinGen allele CA006242.

ClinVar aggregate classification (germline): Pathogenic. Review status: criteria provided, multiple submitters, no conflicts (2 of 4 stars). 2 submissions from 2 submitters: Pathogenic (2). Last evaluated 2025-09-23.

Conditions:
Cardiovascular phenotype. Identifiers: MedGen CN230736.

Submissions (2):

Molecular Diagnostic Laboratory for Inherited Cardiovascular Disease, Montreal Heart Institute
Classification: Pathogenic for Cardiovascular phenotype. Last evaluated: 2025-09-23. Review status: criteria provided, single submitter. Criteria: ACMG Guidelines, 2015. Collection method: clinical testing. Allele origin: germline. Affected: yes.
Comment: PVS1, PM2, PS4_supp, PP1

GeneDx
Classification: Pathogenic. Last evaluated: 2017-01-03. Review status: criteria provided, single submitter. Criteria: GeneDx Variant Classification (06012015). Collection method: clinical testing. Allele origin: germline. Affected: yes.
Comment: Although the c.2115delG variant in the KCNH2 gene has not been reported to our knowledge, this pathogenic variant causes a shift in reading frame starting at codon Tryptophan 705, changing it to a Cysteine, and creating a premature stop codon at position 9 of the new reading frame, denoted p.Trp705CysfsX9. This pathogenic variant is expected to result in either an abnormal, truncated protein product or loss of protein from this allele through nonsense-mediated mRNA decay. Other frameshift mutations in the KCNH2 gene have been reported in association with LQTS (Stenson P et al., 2009).